The following is an entry in ClinVar:

NM_015001.3(SPEN):c.5957C>T (p.Ser1986Phe)

Gene: SPEN (spen family transcriptional repressor; plus strand). Cytogenetic location: 1p36.13.
Variant type: single nucleotide variant.
Coding change: c.5957C>T on transcript NM_015001.3 (MANE Select); coding-DNA position 5957, C replaced by T.
Protein change: p.Ser1986Phe; replaces serine 1986 with phenylalanine.
Molecular consequence: missense variant.
Genome position (GRCh38, 1-based): chr1:15,932,197, C>T. VCF-style: chr1-15932197-C-T. GRCh37 (hg19) VCF-style: chr1-16258692-C-T.
Other names: short protein forms S1986F.
Identifiers: ClinVar variation 4690064 (VCV004690064.1).

ClinVar aggregate classification (germline): Uncertain significance (1 of 4 stars; one submission).

Submission:

GeneDx
Classification: Uncertain significance. Last evaluated: 2025-07-29. Review status: criteria provided, single submitter. Criteria: GeneDx Variant Classification Process June 2021. Collection method: clinical testing. Allele origin: germline. Affected: yes.
Comment: Not observed at significant frequency in large population cohorts (gnomAD); In silico analysis supports that this missense variant has a deleterious effect on protein structure/function; Has not been previously published as pathogenic or benign to our knowledge